The following is an entry in ClinVar:

NM_001242896.3(DEPDC5):c.2341G>C (p.Ala781Pro)

Gene: DEPDC5 (DEP domain containing 5, GATOR1 subcomplex subunit; plus strand). Cytogenetic location: 22q12.3.
Variant type: single nucleotide variant.
Coding change: c.2341G>C on transcript NM_001242896.3 (MANE Select); coding-DNA position 2341, G replaced by C.
Protein change: p.Ala781Pro; replaces alanine 781 with proline.
Molecular consequence: missense variant. On other transcripts: non-coding transcript variant (5).
Genome position (GRCh38, 1-based): chr22:31,837,142, G>C. VCF-style: chr22-31837142-G-C. GRCh37 (hg19) VCF-style: chr22-32233128-G-C.
Other names: c.2314G>C, p.Ala772Pro (NM_001136029.4, NM_001369903.1, NM_014662.6); c.2107G>C, p.Ala703Pro (NM_001242897.2, NM_001363854.2, NM_001364319.2); c.2341G>C, p.Ala781Pro (NM_001363852.2, NM_001364318.2, NM_001364320.2); c.2257G>C, p.Ala753Pro (NM_001369901.1, NM_001369902.1); short protein forms A781P, A703P, A753P, A772P.
Identifiers: ClinVar variation 466469 (VCV000466469.10), dbSNP rs761280493, ClinGen allele CA10196681.

ClinVar aggregate classification (germline): Uncertain significance (1 of 4 stars; one submission).

Conditions:
Familial focal epilepsy with variable foci (FPEVF). Identifiers: Orphanet 98820, MedGen C1858477, MONDO:0020310.

Allele frequency attached by ClinVar (database versions not stated): TOPMed below 0.00001; ExAC 0.00001; gnomAD exomes 0.00001.

Submission:

Labcorp Genetics (formerly Invitae), Labcorp
Classification: Uncertain significance for Familial focal epilepsy with variable foci. Last evaluated: 2019-07-24. Review status: criteria provided, single submitter. Criteria: Invitae Variant Classification Sherloc (09022015). Collection method: clinical testing. Allele origin: germline.
Comment: In summary, this variant is a rare missense change that is not predicted to affect protein function. There is no indication that it causes disease, but the available evidence is currently insufficient to prove that conclusively. Therefore, it has been classified as a Variant of Uncertain Significance. This sequence change replaces alanine with proline at codon 781 of the DEPDC5 protein (p.Ala781Pro). The alanine residue is moderately conserved and there is a small physicochemical difference between alanine and proline. This variant is present in population databases (rs761280493, ExAC 0.009%) but has not been reported in the literature in individuals with a DEPDC5-related disease. Algorithms developed to predict the effect of missense changes on protein structure and function (SIFT, Align-GVGD) suggest that this variant is likely to be tolerated, but these predictions have not been confirmed by published functional studies.